The following is an entry in ClinVar:

NM_000136.3(FANCC):c.890T>A (p.Met297Lys)

Genes: FANCC (FA complementation group C; minus strand), AOPEP (aminopeptidase O (putative); plus strand). Cytogenetic location: 9q22.32.
Variant type: single nucleotide variant.
Coding change: c.890T>A on transcript NM_000136.3 (MANE Select); coding-DNA position 890, T replaced by A.
Protein change: p.Met297Lys; replaces methionine 297 with lysine.
Molecular consequence: missense variant.
Genome position (GRCh38, 1-based): chr9:95,126,535, A>T on the plus strand (T>A on the coding strand, the complement: FANCC is on the minus strand). VCF-style: chr9-95126535-A-T. GRCh37 (hg19) VCF-style: chr9-97888817-A-T.
Other names: c.890T>A, p.Met297Lys (NM_001243743.2, NM_001243744.2); short protein forms M297K.
Identifiers: ClinVar variation 4641225 (VCV004641225.1).

ClinVar aggregate classification (germline): Uncertain significance (1 of 4 stars; one submission).

Conditions:
Hereditary cancer-predisposing syndrome. Also called: Neoplastic Syndromes, Hereditary; Tumor predisposition; Hereditary Cancer Syndrome; Hereditary neoplastic syndrome. Identifiers: Orphanet 140162, MedGen C0027672, MeSH D009386, MONDO:0015356.

Submission:

Ambry Genetics
Classification: Uncertain significance for Hereditary cancer-predisposing syndrome. Last evaluated: 2025-11-29. Review status: criteria provided, single submitter. Criteria: Ambry Variant Classification Scheme 2023. Collection method: clinical testing. Allele origin: germline.
Comment: The p.M297K variant (also known as c.890T>A), located in coding exon 8 of the FANCC gene, results from a T to A substitution at nucleotide position 890. The methionine at codon 297 is replaced by lysine, an amino acid with similar properties. This amino acid position is conserved. In addition, the in silico prediction for this alteration is inconclusive. Based on the available evidence, the clinical significance of this variant remains unclear.